The following is an entry in ClinVar:

ClinVar aggregate classification (germline): Uncertain significance (1 of 4 stars; one submission).

Conditions:
Leigh syndrome (NULS). Also called: Leigh's necrotizing encephalopathy; Leigh's disease; Leigh Syndrome (mtDNA deletion); Leigh Disease; Subacute necrotizing encephalopathy; Necrotizing encephalopathy infantile subacute of Leigh. Identifiers: Orphanet 506, MedGen C2931891, MONDO:0009723, OMIM 256000.

Submission:

Wong Mito Lab, Molecular and Human Genetics, Baylor College of Medicine
Classification: Uncertain significance for Leigh syndrome. Last evaluated: 2019-10-17. Review status: criteria provided, single submitter. Criteria: Modified ACMG Guidelines (Unpublished). Collection method: clinical testing. Allele origin: germline.
Comment: The NC_012920.1:m.7440T>C (YP_003024028.1:p.Ser513Pro) variant in MTCO1 gene is interpretated to be a Uncertain Significance variant based on the modified ACMG guidelines (unpublished). This variant meets the following evidence codes: BS4

NC_012920.1(MT-CO1):m.7440T>C

Gene: MT-CO1 (mitochondrially encoded cytochrome c oxidase I; plus strand).
Variant type: single nucleotide variant.
Genome position: chrM-7440-T-C.
Identifiers: ClinVar variation 692746 (VCV000692746.1), dbSNP rs1603220962, ClinGen allele CA414792832.